The following is an entry in ClinVar:

ClinVar aggregate classification (germline): Benign/Likely benign. Review status: criteria provided, multiple submitters, no conflicts (2 of 4 stars). 11 submissions from 11 submitters: Benign (1); Likely benign (9). 1 of the submissions does not count toward it. Last evaluated 2026-05-20.

Conditions:
NF1-related disorder. Also called: NF1-related condition. Identifiers: MedGen CN379171.
Hereditary cancer-predisposing syndrome. Also called: Tumor predisposition; Neoplastic Syndromes, Hereditary; Hereditary neoplastic syndrome; Hereditary Cancer Syndrome. Identifiers: Orphanet 140162, MedGen C0027672, MeSH D009386, MONDO:0015356.
Neurofibromatosis, familial spinal (FSNF). Identifiers: Orphanet 636, MedGen C1834235, MONDO:0008078, OMIM 162210. Disease mechanism: loss of function.
Neurofibromatosis-Noonan syndrome (NFNS). Also called: NEUROFIBROMATOSIS WITH NOONAN PHENOTYPE. Identifiers: Orphanet 638, MedGen C2931482, MONDO:0011035, OMIM 601321. Disease mechanism: loss of function.
Neurofibromatosis, type 1 (NF1). Also called: NEUROFIBROMATOSIS, TYPE I, SOMATIC; Peripheral type neurofibromatosis; VON RECKLINGHAUSEN DISEASE; Neurofibromatosis, type I. Identifiers: Orphanet 636, MedGen C0027831, MONDO:0018975, OMIM 162200. Disease mechanism: loss of function.
Café-au-lait macules with pulmonary stenosis (WTSN). Also called: PULMONIC STENOSIS WITH CAFE-AU-LAIT SPOTS. Identifiers: MedGen C0553586, MONDO:0008672, OMIM 193520.
Juvenile myelomonocytic leukemia (JMML). Also called: LEUKEMIA, JUVENILE MYELOMONOCYTIC, SOMATIC. Identifiers: Orphanet 86834, MedGen C0349639, MONDO:0011908, OMIM 607785, HP:0012209.

Allele frequency attached by ClinVar (database versions not stated): gnomAD exomes 0.00002; ExAC 0.00003; gnomAD 0.00004 and 0.00005; TOPMed 0.00005; ESP Exome Variant Server 0.00015.
gnomAD v4.1: 83 of 1,613,646 alleles (0.0051%); highest among the groups gnomAD compares: Non-Finnish European, 0.0063%; no homozygotes.

Submissions (11):

Myriad Genetics, Inc.
Classification: Benign for Neurofibromatosis, type 1. Last evaluated: 2026-05-20. Review status: criteria provided, single submitter. Criteria: Myriad Autosomal Dominant, Autosomal Recessive and X-Linked Classification Criteria (2023). Collection method: clinical testing. Allele origin: unknown.
Comment: This variant is considered benign. This variant is a silent/synonymous amino acid change and it is not expected to impact splicing.

Institute for Biomarker Research, Medical Diagnostic Laboratories, L.L.C.
Classification: Likely benign for Hereditary cancer-predisposing syndrome. Last evaluated: 2026-05-13. Review status: criteria provided, single submitter. Criteria: ACMG Guidelines, 2015. Collection method: clinical testing. Allele origin: germline.
Comment: he synonymous variant NM_000267.3(NF1):c.5862T>C (p.Leu1954=) has been reported to ClinVar as Likely benign with a status of (2 stars) criteria provided, multiple submitters, no conflicts (Accession: VCV000185840.22). The p.Leu1954= variant is not predicted to disrupt an existing splice site. The p.Leu1954= variant results in a substitution of a base that is not predicted conserved by GERP++ and PhyloP. For these reasons, this variant has been classified as Likely Benign.

Labcorp Genetics (formerly Invitae), Labcorp
Classification: Likely benign for Neurofibromatosis, type 1. Last evaluated: 2026-02-03. Review status: criteria provided, single submitter. Criteria: Invitae Variant Classification Sherloc (09022015). Collection method: clinical testing. Allele origin: germline.

ARUP Laboratories, Molecular Genetics and Genomics, ARUP Laboratories
Classification: Likely benign. Last evaluated: 2025-07-29. Review status: criteria provided, single submitter. Criteria: ARUP Molecular Germline Variant Investigation Process 2024. Collection method: clinical testing. Allele origin: germline.

Blueprint Genetics
Classification: Likely benign. Last evaluated: 2023-09-27. Review status: criteria provided, single submitter. Criteria: ACMG Guidelines, 2015. Collection method: clinical testing. Allele origin: germline.

Genome-Nilou Lab
Classification: Likely benign for Neurofibromatosis, type 1. Last evaluated: 2022-03-15. Review status: criteria provided, single submitter. Criteria: ACMG Guidelines, 2015. Collection method: clinical testing. Allele origin: germline. Affected: no.

Genetic Services Laboratory, University of Chicago
Classification: Likely benign. Last evaluated: 2021-09-21. Review status: criteria provided, single submitter. Criteria: ACMG Guidelines, 2015. Collection method: clinical testing. Allele origin: germline. Affected: no.

Fulgent Genetics
Classification: Likely benign for Neurofibromatosis, type 1; Neurofibromatosis, familial spinal; Café-au-lait macules with pulmonary stenosis; Neurofibromatosis-Noonan syndrome; Juvenile myelomonocytic leukemia. Last evaluated: 2021-08-10. Review status: criteria provided, single submitter. Criteria: ACMG Guidelines, 2015. Collection method: clinical testing. Allele origin: unknown.

GeneDx
Classification: Likely benign. Last evaluated: 2019-11-07. Review status: criteria provided, single submitter. Criteria: GeneDx Variant Classification Process June 2021. Collection method: clinical testing. Allele origin: germline. Affected: yes.

Ambry Genetics
Classification: Likely benign for Hereditary cancer-predisposing syndrome. Last evaluated: 2014-08-05. Review status: criteria provided, single submitter. Criteria: Ambry Autosomal Dominant and X-Linked criteria (10/2015). Collection method: clinical testing. Allele origin: germline. Observed: 1 variant allele.

PreventionGenetics, part of Exact Sciences
Classification: Likely benign for NF1-related condition. Last evaluated: 2019-10-10. Review status: no assertion criteria provided. Collection method: clinical testing. Allele origin: germline. Not counted in ClinVar's aggregate classification.
Comment: This variant is classified as likely benign based on ACMG/AMP sequence variant interpretation guidelines (Richards et al. 2015 PMID: 25741868, with internal and published modifications).

NM_001042492.3(NF1):c.5925T>C (p.Leu1975=)

Gene: NF1 (neurofibromin 1; plus strand). Cytogenetic location: 17q11.2.
Variant type: single nucleotide variant.
Coding change: c.5925T>C on transcript NM_001042492.3 (MANE Select); coding-DNA position 5925, T replaced by C.
Protein change: p.Leu1975=; no amino-acid change (leucine 1975 retained).
Molecular consequence: synonymous variant.
Genome position (GRCh38, 1-based): chr17:31,334,950, T>C. VCF-style: chr17-31334950-T-C. GRCh37 (hg19) VCF-style: chr17-29661968-T-C.
Other names: c.5862T>C, p.Leu1954= (NM_000267.4).
Identifiers: ClinVar variation 185840 (VCV000185840.25), dbSNP rs375776474, ClinGen allele CA193125.